The following is an entry in ClinVar:

NM_001352514.2(HLCS):c.1072_1073insTGTGTATAAGAGACAGT (p.Thr358fs)

Gene: HLCS (holocarboxylase synthetase; minus strand). Cytogenetic location: 21q22.13.
Variant type: Insertion.
Coding change: c.1072_1073insTGTGTATAAGAGACAGT on transcript NM_001352514.2 (MANE Select); coding-DNA positions 1072 to 1073, TGTGTATAAGAGACAGT inserted.
Protein change: p.Thr358fs; shifts the reading frame from threonine 358.
Molecular consequence: frameshift variant. On other transcripts: non-coding transcript variant (2).
Genome position: GRCh38 VCF-style: chr21-36936813-G-GACTGTCTCTTATACACA. GRCh37 (hg19) VCF-style: chr21-38309113-G-GACTGTCTCTTATACACA.
Other names: c.631_632insTGTGTATAAGAGACAGT, p.Thr211fs (NM_000411.8, NM_001242784.3, NM_001242785.2 and 4 more transcripts); short protein forms T211fs, T358fs.
Identifiers: ClinVar variation 5011581 (VCV005011581.1).

ClinVar aggregate classification (germline): Pathogenic (1 of 4 stars; one submission).

Conditions:
Holocarboxylase synthetase deficiency. Also called: MULTIPLE CARBOXYLASE DEFICIENCY, EARLY ONSET. Identifiers: Orphanet 79242, MedGen C0268581, MONDO:0009666, OMIM 253270.

Submission:

Myriad Genetics, Inc.
Classification: Pathogenic for Holocarboxylase synthetase deficiency. Last evaluated: 2023-09-05. Review status: criteria provided, single submitter. Criteria: Myriad Autosomal Dominant, Autosomal Recessive and X-Linked Classification Criteria (2023). Collection method: clinical testing. Allele origin: unknown.
Comment: NM_000411.6(HLCS):c.631_632ins17(T211Mfs*53) is expected to be pathogenic in the context of holocarboxylase synthetase deficiency. This variant is predicted to lead to an abnormal or absent protein product due to the creation of a premature termination codon in HLCS, a gene where loss-of-function variants are known to be pathogenic. Please note: this variant was assessed in the context of healthy population screening.